The following is an entry in ClinVar:

NM_053025.4(MYLK):c.1507C>G (p.Gln503Glu)

Gene: MYLK (myosin light chain kinase; minus strand). Cytogenetic location: 3q21.1.
Variant type: single nucleotide variant.
Coding change: c.1507C>G on transcript NM_053025.4 (MANE Select); coding-DNA position 1507, C replaced by G.
Protein change: p.Gln503Glu; replaces glutamine 503 with glutamic acid.
Molecular consequence: missense variant. On other transcripts: intron variant (2).
Genome position (GRCh38, 1-based): chr3:123,732,905, G>C on the plus strand (C>G on the coding strand, the complement: MYLK is on the minus strand). VCF-style: chr3-123732905-G-C. GRCh37 (hg19) VCF-style: chr3-123451752-G-C.
Other names: c.979C>G, p.Gln327Glu (NM_001321309.2); c.1507C>G, p.Gln503Glu (NM_053027.4); c.1309+782C>G (NM_053028.4, NM_053026.4); short protein forms Q503E, Q327E.
Identifiers: ClinVar variation 2010727 (VCV002010727.4), dbSNP rs2062533263, ClinGen allele CA354237541.

ClinVar aggregate classification (germline): Uncertain significance (1 of 4 stars; one submission).

Conditions:
Aortic aneurysm, familial thoracic 7 (AAT7). Also called: AORTIC DISSECTION, FAMILIAL, WITH OR WITHOUT AORTIC ANEURYSM. Identifiers: MedGen C3151077, MONDO:0013418, OMIM 613780.

Submission:

Labcorp Genetics (formerly Invitae), Labcorp
Classification: Uncertain significance for Aortic aneurysm, familial thoracic 7. Last evaluated: 2022-06-25. Review status: criteria provided, single submitter. Criteria: Invitae Variant Classification Sherloc (09022015). Collection method: clinical testing. Allele origin: germline.
Comment: In summary, the available evidence is currently insufficient to determine the role of this variant in disease. Therefore, it has been classified as a Variant of Uncertain Significance. Advanced modeling of protein sequence and biophysical properties (such as structural, functional, and spatial information, amino acid conservation, physicochemical variation, residue mobility, and thermodynamic stability) performed at Invitae indicates that this missense variant is not expected to disrupt MYLK protein function. This variant has not been reported in the literature in individuals affected with MYLK-related conditions. This variant is not present in population databases (gnomAD no frequency). This sequence change replaces glutamine, which is neutral and polar, with glutamic acid, which is acidic and polar, at codon 503 of the MYLK protein (p.Gln503Glu).